The following is an entry in ClinVar:

ClinVar aggregate classification (germline): Conflicting classifications of pathogenicity. Review status: criteria provided, conflicting classifications (1 of 4 stars). 3 submissions from 3 submitters: Uncertain significance (1); Benign (1); Likely benign (1). Last evaluated 2026-02-03.

Allele frequency attached by ClinVar (database versions not stated): gnomAD exomes 0.00016; TOPMed 0.00037; gnomAD 0.00043; ExAC 0.00058; 1000 Genomes Project 30x 0.00344; 1000 Genomes Project 0.00379.
gnomAD v4.1: 314 of 1,610,404 alleles (0.019%); highest among the groups gnomAD compares: East Asian, 0.63%; 2 homozygotes.

Submissions (3):

Labcorp Genetics (formerly Invitae), Labcorp
Classification: Benign. Last evaluated: 2026-02-03. Review status: criteria provided, single submitter. Criteria: Invitae Variant Classification Sherloc (09022015). Collection method: clinical testing. Allele origin: germline.

Blueprint Genetics
Classification: Uncertain significance. Last evaluated: 2024-05-06. Review status: criteria provided, single submitter. Criteria: ACMG Guidelines, 2015. Collection method: clinical testing. Allele origin: germline.

CeGaT Center for Human Genetics Tuebingen
Classification: Likely benign. Last evaluated: 2024-05-01. Review status: criteria provided, single submitter. Criteria: CeGaT Center For Human Genetics Tuebingen Variant Classification Criteria Version 2. Collection method: clinical testing. Allele origin: germline. Affected: yes. Observed: 1 variant allele.
Comment: PIGB: BP4, BS1

NM_004855.5(PIGB):c.497A>G (p.Glu166Gly)

Gene: PIGB (phosphatidylinositol glycan anchor biosynthesis class B; plus strand). Cytogenetic location: 15q21.3.
Variant type: single nucleotide variant.
Coding change: c.497A>G on transcript NM_004855.5 (MANE Select); coding-DNA position 497, A replaced by G.
Protein change: p.Glu166Gly; replaces glutamic acid 166 with glycine.
Molecular consequence: missense variant.
Genome position (GRCh38, 1-based): chr15:55,327,610, A>G. VCF-style: chr15-55327610-A-G. GRCh37 (hg19) VCF-style: chr15-55619808-A-G.
Other names: short protein forms E166G.
Identifiers: ClinVar variation 2071077 (VCV002071077.24), dbSNP rs572451239, ClinGen allele CA7573855.